The following is an entry in ClinVar:

NM_001377142.1(PLCB4):c.1611+3C>T

Gene: PLCB4 (phospholipase C beta 4; plus strand). Cytogenetic location: 20p12.2.
Variant type: single nucleotide variant.
Coding change: c.1611+3C>T on transcript NM_001377142.1 (MANE Select); 3 bases into the intron after coding-DNA position 1611, C replaced by T.
Molecular consequence: intron variant.
Genome position (GRCh38, 1-based): chr20:9,401,593, C>T. VCF-style: chr20-9401593-C-T. GRCh37 (hg19) VCF-style: chr20-9382240-C-T.
Other names: c.1611+3C>T (NM_001377134.2, NM_000933.4, NM_182797.3 and 4 more transcripts).
Identifiers: ClinVar variation 4980343 (VCV004980343.1).

ClinVar aggregate classification (germline): Likely benign (1 of 4 stars; one submission).

Conditions:
PLCB4-related disorder. Also called: PLCB4-related condition.

gnomAD v4.1: 136 of 1,590,808 alleles (0.0085%); highest among the groups gnomAD compares: African/African-American, 0.18%; no homozygotes.

Submission:

PreventionGenetics, part of Exact Sciences
Classification: Likely benign for PLCB4-related condition. Last evaluated: 2026-03-20. Review status: criteria provided, single submitter. Criteria: ACMG Guidelines, 2015. Collection method: clinical testing. Allele origin: germline.
Comment: This variant is classified as likely benign based on ACMG/AMP sequence variant interpretation guidelines (Richards et al. 2015 PMID: 25741868, with internal and published modifications).